The following is an entry in ClinVar:

NM_018834.6(MATR3):c.719C>T (p.Ser240Leu)

Gene: MATR3 (matrin 3; plus strand). Cytogenetic location: 5q31.2.
Variant type: single nucleotide variant.
Coding change: c.719C>T on transcript NM_018834.6 (MANE Select); coding-DNA position 719, C replaced by T.
Protein change: p.Ser240Leu; replaces serine 240 with leucine.
Molecular consequence: missense variant. On other transcripts: intron variant (2).
Genome position (GRCh38, 1-based): chr5:139,308,134, C>T. VCF-style: chr5-139308134-C-T. GRCh37 (hg19) VCF-style: chr5-138643823-C-T.
Other names: c.719C>T, p.Ser240Leu (NM_001194954.2, NM_001194955.2, NM_199189.3); c.-102-6541C>T (NM_001282278.2); c.49-6541C>T (NM_001194956.2); short protein forms S240L.
Identifiers: ClinVar variation 1434004 (VCV001434004.6), dbSNP rs2151961434, ClinGen allele CA361487915.

ClinVar aggregate classification (germline): Uncertain significance (1 of 4 stars; one submission).

Conditions:
Amyotrophic lateral sclerosis type 21. Also called: VOCAL CORD AND PHARYNGEAL DYSFUNCTION WITH DISTAL MYOPATHY; MYOPATHY, DISTAL, 2. Identifiers: Orphanet 600, Orphanet 803, MedGen C3807521, MONDO:0011632, OMIM 606070.

Submission:

Labcorp Genetics (formerly Invitae), Labcorp
Classification: Uncertain significance for Amyotrophic lateral sclerosis type 21. Last evaluated: 2024-03-21. Review status: criteria provided, single submitter. Criteria: Invitae Variant Classification Sherloc (09022015). Collection method: clinical testing. Allele origin: germline.
Comment: This sequence change replaces serine, which is neutral and polar, with leucine, which is neutral and non-polar, at codon 240 of the MATR3 protein (p.Ser240Leu). This variant is not present in population databases (gnomAD no frequency). This variant has not been reported in the literature in individuals affected with MATR3-related conditions. ClinVar contains an entry for this variant (Variation ID: 1434004). Advanced modeling of protein sequence and biophysical properties (such as structural, functional, and spatial information, amino acid conservation, physicochemical variation, residue mobility, and thermodynamic stability) performed at Invitae indicates that this missense variant is not expected to disrupt MATR3 protein function with a negative predictive value of 80%. In summary, the available evidence is currently insufficient to determine the role of this variant in disease. Therefore, it has been classified as a Variant of Uncertain Significance.